The following is an entry in ClinVar:

ClinVar aggregate classification (germline): Uncertain significance (1 of 4 stars; one submission).

Submission:

GeneDx
Classification: Uncertain significance. Last evaluated: 2019-03-29. Review status: criteria provided, single submitter. Criteria: GeneDx Variant Classification Process June 2021. Collection method: clinical testing. Allele origin: germline. Affected: yes.
Comment: Not observed in large population cohorts (Lek et al., 2016); In silico analysis, which includes protein predictors and evolutionary conservation, supports a deleterious effect; Has not been previously published as pathogenic or benign to our knowledge

NM_006245.4(PPP2R5D):c.350T>A (p.Leu117Gln)

Gene: PPP2R5D (protein phosphatase 2 regulatory subunit B'delta; plus strand). Cytogenetic location: 6p21.1.
Variant type: single nucleotide variant.
Coding change: c.350T>A on transcript NM_006245.4 (MANE Select); coding-DNA position 350, T replaced by A.
Protein change: p.Leu117Gln; replaces leucine 117 with glutamine.
Molecular consequence: missense variant. On other transcripts: 5 prime UTR variant (1).
Genome position (GRCh38, 1-based): chr6:43,006,938, T>A. VCF-style: chr6-43006938-T-A. GRCh37 (hg19) VCF-style: chr6-42974676-T-A.
Other names: c.-104T>A (NM_001270476.2); c.254T>A, p.Leu85Gln (NM_180976.3); c.32T>A, p.Leu11Gln (NM_180977.3); short protein forms L117Q, L11Q, L85Q.
Identifiers: ClinVar variation 1308250 (VCV001308250.2), dbSNP rs2150278435, ClinGen allele CA364182282.
Genomic context (GRCh38, chr6:43,006,938, plus strand): 5'-CAGAGGAGAACCTGACTGCTGGGGCCCCCACAGATTCGCCAACCCAGGAGCGGGAGGAGC[T>A]GTTTATCCAGAAGCTACGCCAGTGCTGTGTCCTCTTTGACTTCGTGTCAGACCCACTCAG-3'
Protein context (NP_006236.1, residues 107-127): KDSPTQEREE[Leu117Gln]FIQKLRQCCV